The following is an entry in ClinVar:

NM_203447.4(DOCK8):c.5858AGA[4] (p.Lys1955dup)

Gene: DOCK8 (dedicator of cytokinesis 8; plus strand). Cytogenetic location: 9p24.3.
Variant type: Microsatellite.
Coding change: c.5858AGA[4] on transcript NM_203447.4 (MANE Select); four copies in a row of the 3-base unit AGA starting at c.5858; the reference has three copies in a row; one copy, 3 bases duplicated.
Protein change: p.Lys1955dup; duplicates lysine 1955.
Molecular consequence: inframe insertion.
Genome position (GRCh38, 1-based): chr9:449,830-449,832, AGA duplicated; duplicating any 3 consecutive bases within chr9:449,822-449,832 gives the same sequence; the position shown is the placement nearest the transcript's 3' end. VCF-style (leftmost placement, unchanged base first): chr9-449821-T-TGAA. GRCh37 (hg19) VCF-style: chr9-449821-T-TGAA.
Other names: c.5558AGA[4], p.Lys1855dup (NM_001190458.2); c.5654AGA[4], p.Lys1887dup (NM_001193536.2).
Identifiers: ClinVar variation 1014691 (VCV001014691.13), dbSNP rs1587092842, ClinGen allele CA1826909242.

ClinVar aggregate classification (germline): Uncertain significance (1 of 4 stars; one submission).

Conditions:
Combined immunodeficiency due to DOCK8 deficiency (HIES2). Also called: Hyper-IgE recurrent infection syndrome, autosomal recessive; DOCK8 Deficiency; HIES autosomal recessive; HYPER-IgE RECURRENT INFECTION SYNDROME 2, AUTOSOMAL RECESSIVE; HYPER-IgE SYNDROME 2, AUTOSOMAL RECESSIVE, WITH RECURRENT INFECTIONS. Identifiers: Orphanet 217390, MedGen C4722305, MONDO:0009478, OMIM 243700.

Submission:

Labcorp Genetics (formerly Invitae), Labcorp
Classification: Uncertain significance for Combined immunodeficiency due to DOCK8 deficiency. Last evaluated: 2020-02-17. Review status: criteria provided, single submitter. Criteria: Invitae Variant Classification Sherloc (09022015). Collection method: clinical testing. Allele origin: germline.
Comment: This variant, c.5864_5866dup, results in the insertion of 1 amino acid(s) to the DOCK8 protein (p.Lys1955dup), but otherwise preserves the integrity of the reading frame. This variant is not present in population databases (ExAC no frequency). This variant has not been reported in the literature in individuals with DOCK8-related conditions. Experimental studies and prediction algorithms are not available or were not evaluated, and the functional significance of this variant is currently unknown. In summary, the available evidence is currently insufficient to determine the role of this variant in disease. Therefore, it has been classified as a Variant of Uncertain Significance.